The following is an entry in ClinVar:

NM_000179.3(MSH6):c.2151C>G (p.Val717=)

Gene: MSH6 (mutS homolog 6; plus strand). Cytogenetic location: 2p16.3.
Variant type: single nucleotide variant.
Coding change: c.2151C>G on transcript NM_000179.3 (MANE Select); coding-DNA position 2151, C replaced by G.
Protein change: p.Val717=; no amino-acid change (valine 717 retained).
Molecular consequence: synonymous variant.
Genome position (GRCh38, 1-based): chr2:47,800,134, C>G. VCF-style: chr2-47800134-C-G. GRCh37 (hg19) VCF-style: chr2-48027273-C-G.
Other names: c.1761C>G, p.Val587= (NM_001281492.2); c.1245C>G, p.Val415= (NM_001281493.2, NM_001281494.2).
Identifiers: ClinVar variation 920234 (VCV000920234.5), dbSNP rs1572725932, ClinGen allele CA426121594.
Genomic context (GRCh38, chr2:47,800,134, plus strand): 5'-TCAGGAGCTTTTATCAATGGCTAATTTTGAAGAATATATTCCCTTGGATTCTGACACAGT[C>G]AGCACTACAAGATCTGGTGCTATCTTCACCAAAGCCTATCAACGAATGGTGCTAGATGCA-3'
Protein context (NP_000170.1, residues 707-727): EEYIPLDSDT[Val717=]STTRSGAIFT

ClinVar aggregate classification (germline): Benign/Likely benign. Review status: criteria provided, multiple submitters, no conflicts (2 of 4 stars). 3 submissions from 3 submitters: Benign (1); Likely benign (2). Last evaluated 2024-12-30.

Conditions:
Hereditary nonpolyposis colorectal neoplasms. Identifiers: MedGen C0009405, MeSH D003123.
Hereditary cancer-predisposing syndrome. Also called: Neoplastic Syndromes, Hereditary; Tumor predisposition; Hereditary Cancer Syndrome; Hereditary neoplastic syndrome. Identifiers: Orphanet 140162, MedGen C0027672, MeSH D009386, MONDO:0015356.
Lynch syndrome 5 (LYNCH5). Also called: Colorectal cancer, hereditary nonpolyposis, type 5; Hereditary non-polyposis colorectal cancer, type 5. Identifiers: Orphanet 144, MedGen C1833477, MONDO:0013710, OMIM 614350. Disease mechanism: loss of function.

Submissions (3):

Myriad Genetics, Inc.
Classification: Benign for Lynch syndrome 5. Last evaluated: 2024-12-30. Review status: criteria provided, single submitter. Criteria: Myriad Autosomal Dominant, Autosomal Recessive and X-Linked Classification Criteria (2023). Collection method: clinical testing. Allele origin: unknown.
Comment: This variant is considered benign. This variant is a silent/synonymous amino acid change and it is not expected to impact splicing.

Labcorp Genetics (formerly Invitae), Labcorp
Classification: Likely benign for Hereditary nonpolyposis colorectal neoplasms. Last evaluated: 2024-06-21. Review status: criteria provided, single submitter. Criteria: Invitae Variant Classification Sherloc (09022015). Collection method: clinical testing. Allele origin: germline.

Color Diagnostics, LLC DBA Color Health
Classification: Likely benign for Hereditary cancer-predisposing syndrome. Last evaluated: 2018-11-21. Review status: criteria provided, single submitter. Criteria: ACMG Guidelines, 2015. Collection method: clinical testing. Allele origin: germline.